The following is an entry in ClinVar:

NM_000497.4(CYP11B1):c.1201A>G (p.Thr401Ala)

Genes: CYP11B1 (cytochrome P450 family 11 subfamily B member 1; minus strand), LOC106799833 (CYP11B1 recombination region; plus strand). Cytogenetic location: 8q24.3.
Variant type: single nucleotide variant.
Coding change: c.1201A>G on transcript NM_000497.4 (MANE Select); coding-DNA position 1201, A replaced by G.
Protein change: p.Thr401Ala; replaces threonine 401 with alanine.
Molecular consequence: missense variant. On other transcripts: intron variant (1).
Genome position (GRCh38, 1-based): chr8:142,875,154, T>C on the plus strand (A>G on the coding strand, the complement: CYP11B1 is on the minus strand). VCF-style: chr8-142875154-T-C. GRCh37 (hg19) VCF-style: chr8-143956570-T-C.
Other names: c.1201A>G (NM_000497.3); c.1200+80A>G (NM_001026213.1); short protein forms T401A.
Identifiers: ClinVar variation 3595300 (VCV003595300.2).

ClinVar aggregate classification (germline): Uncertain significance. Review status: criteria provided, multiple submitters, no conflicts (2 of 4 stars). 2 submissions from 2 submitters: Uncertain significance (2). Last evaluated 2026-05-28.

Conditions:
Deficiency of steroid 11-beta-monooxygenase (CYP11B1). Also called: ADRENAL HYPERPLASIA, CONGENITAL, DUE TO STEROID 11-BETA-HYDROXYLASE DEFICIENCY; Congenital adrenal hyperplasia due to 11-beta-hydroxylase deficiency; ADRENAL HYPERPLASIA IV; 11-BETA-HYDROXYLASE DEFICIENCY; P450C11B1 DEFICIENCY; STEROID 11-BETA-HYDROXYLASE DEFICIENCY. Identifiers: Orphanet 90795, MedGen C0268292, MONDO:0008729, OMIM 202010. Disease mechanism: loss of function.
Glucocorticoid-remediable aldosteronism. Also called: Hyperaldosteronism, familial, type I; ACTH-DEPENDENT HYPERALDOSTERONISM SYNDROME; ALDOSTERONISM, SENSITIVE TO DEXAMETHASONE; FH I; GLUCOCORTICOID-SUPPRESSIBLE HYPERALDOSTERONISM. Identifiers: Orphanet 403, MedGen C3838731, MONDO:0007080, OMIM 103900.
CYP11B1-related disorder. Also called: CYP11B1-related condition.

gnomAD v4.1: 22 of 1,614,172 alleles (0.0014%); highest among the groups gnomAD compares: African/African-American, 0.023%; 1 homozygote.

Submissions (2):

PreventionGenetics, part of Exact Sciences
Classification: Uncertain significance for CYP11B1-related condition. Last evaluated: 2026-05-28. Review status: criteria provided, single submitter. Criteria: ACMG Guidelines, 2015. Collection method: clinical testing. Allele origin: germline.
Comment: The CYP11B1 c.1201A>G variant is predicted to result in the amino acid substitution p.Thr401Ala. This variant has been reported in the heterozygous state in an individual with clinical features of congenital adrenal hyperplasia (CAH), but the second plausibly causative variant was not found (Parajes et al. 2010. PubMed ID: 20089618). The in vitro assay in Parajes et al. also showed that this variant caused mild 11β-hydroxylase deficiency and is likely associated with non-classic CAH. An in silico analysis suggested that this variant affects the structure of the loop positioned at the interface of the membrane (Fig. S3, Khattab et al. 2017. PubMed ID: 28228528). This variant is reported in 0.018% of alleles in individuals of African descent in gnomAD. This variant falls within a highly paralogous region. Allele frequency data should be interpreted with caution. Although we suspect that this variant may be pathogenic, at this time, the clinical significance of this variant is uncertain due to the absence of conclusive functional and genetic evidence.

Fulgent Genetics
Classification: Uncertain significance for Glucocorticoid-remediable aldosteronism; Deficiency of steroid 11-beta-monooxygenase. Last evaluated: 2024-01-05. Review status: criteria provided, single submitter. Criteria: ACMG Guidelines, 2015. Collection method: clinical testing. Allele origin: germline.